The following is an entry in ClinVar:

ClinVar aggregate classification (germline): Likely pathogenic. Review status: criteria provided, multiple submitters, no conflicts (2 of 4 stars). 3 submissions from 3 submitters: Likely pathogenic (3). Last evaluated 2024-05-06.

Conditions:
VPS13A-related neurodegenerative disease. Also called: Choreoacanthocytosis; Chorea-acanthocytosis; VPS13A Disease; Choreaacanthocytosis; ACANTHOCYTOSIS WITH NEUROLOGIC DISORDER; LEVINE-CRITCHLEY SYNDROME. Identifiers: Orphanet 2388, MedGen C0393576, MONDO:0008695, OMIM 200150.

Allele frequency attached by ClinVar (database versions not stated): gnomAD exomes below 0.00001; TOPMed below 0.00001; gnomAD 0.00001; ExAC 0.00002.
gnomAD v4.1: 1 of 1,607,712 alleles (0.000062%); highest among the groups gnomAD compares: African/African-American, 0.0013%; no homozygotes.

Submissions (3):

Fulgent Genetics
Classification: Likely pathogenic for VPS13A-related neurodegenerative disease. Last evaluated: 2024-05-06. Review status: criteria provided, single submitter. Criteria: ACMG Guidelines, 2015. Collection method: clinical testing. Allele origin: germline.

Labcorp Genetics (formerly Invitae), Labcorp
Classification: Likely pathogenic. Last evaluated: 2023-09-21. Review status: criteria provided, single submitter. Criteria: Invitae Variant Classification Sherloc (09022015). Collection method: clinical testing. Allele origin: germline.
Comment: This sequence change affects an acceptor splice site in intron 54 of the VPS13A gene. It is expected to disrupt RNA splicing. Variants that disrupt the donor or acceptor splice site typically lead to a loss of protein function (PMID: 16199547), and loss-of-function variants in VPS13A are known to be pathogenic (PMID: 12404112, 21598378). This variant is present in population databases (rs779075858, gnomAD 0.007%). This variant has not been reported in the literature in individuals affected with VPS13A-related conditions. ClinVar contains an entry for this variant (Variation ID: 1475534). Algorithms developed to predict the effect of sequence changes on RNA splicing suggest that this variant may disrupt the consensus splice site. In summary, the currently available evidence indicates that the variant is pathogenic, but additional data are needed to prove that conclusively. Therefore, this variant has been classified as Likely Pathogenic.

Department of Pathology and Laboratory Medicine, Sinai Health System
Classification: Likely pathogenic for chorea-acanthocytosis. Last evaluated: 2023-04-18. Review status: criteria provided, single submitter. Criteria: ACMG Guidelines, 2015. Collection method: research. Allele origin: germline.

Literature cited by the submitters: PubMed 16199547 (cited by Labcorp Genetics (formerly Invitae), Labcorp); PubMed 12404112 (cited by Labcorp Genetics (formerly Invitae), Labcorp); PubMed 21598378 (cited by Labcorp Genetics (formerly Invitae), Labcorp).

NM_033305.3(VPS13A):c.7653-2A>G

Gene: VPS13A (vacuolar protein sorting 13 homolog A; plus strand). Cytogenetic location: 9q21.2.
Variant type: single nucleotide variant.
Coding change: c.7653-2A>G on transcript NM_033305.3 (MANE Select); the canonical splice acceptor site of the intron before coding-DNA position 7653, A replaced by G.
Molecular consequence: splice acceptor variant.
Genome position (GRCh38, 1-based): chr9:77,356,712, A>G. VCF-style: chr9-77356712-A-G. GRCh37 (hg19) VCF-style: chr9-79971628-A-G.
Other names: c.7536-2A>G (NM_001018037.2); c.7653-2A>G (NM_015186.4, NM_001018038.3).
Identifiers: ClinVar variation 1475534 (VCV001475534.10), dbSNP rs779075858, ClinGen allele CA5093397.